The following is an entry in ClinVar:

ClinVar aggregate classification (germline): Benign/Likely benign. Review status: criteria provided, multiple submitters, no conflicts (2 of 4 stars). 3 submissions from 3 submitters: Benign (1); Likely benign (2). Last evaluated 2025-10-02.

Conditions:
Lung cancer. Also called: Lung cancer, somatic; Malignant tumor of lung. Identifiers: MedGen C0242379, MONDO:0008903, OMIM 211980.
Hereditary cancer-predisposing syndrome. Also called: Tumor predisposition; Hereditary neoplastic syndrome; Neoplastic Syndromes, Hereditary; Hereditary Cancer Syndrome. Identifiers: Orphanet 140162, MedGen C0027672, MeSH D009386, MONDO:0015356.
EGFR-related lung cancer (EGFR). Identifiers: MedGen CN130014.

Allele frequency attached by ClinVar (database versions not stated): gnomAD 0.00001; gnomAD exomes 0.00001 and below 0.00001; ExAC 0.00001.
gnomAD v4.1: 4 of 1,614,078 alleles (0.00025%); highest among the groups gnomAD compares: African/African-American, 0.004%; no homozygotes.

Submissions (3):

Labcorp Genetics (formerly Invitae), Labcorp
Classification: Likely benign for EGFR-related lung cancer. Last evaluated: 2025-10-02. Review status: criteria provided, single submitter. Criteria: Invitae Variant Classification Sherloc (09022015). Collection method: clinical testing. Allele origin: germline.

Myriad Genetics, Inc.
Classification: Benign for Lung cancer. Last evaluated: 2024-10-16. Review status: criteria provided, single submitter. Criteria: Myriad Autosomal Dominant, Autosomal Recessive and X-Linked Classification Criteria (2023). Collection method: clinical testing. Allele origin: unknown.
Comment: This variant is considered benign. This variant is a silent/synonymous amino acid change and it is not expected to impact splicing.

Ambry Genetics
Classification: Likely benign for Hereditary cancer-predisposing syndrome. Last evaluated: 2024-02-25. Review status: criteria provided, single submitter. Criteria: Ambry Variant Classification Scheme 2023. Collection method: clinical testing. Allele origin: germline.

NM_005228.5(EGFR):c.2334G>A (p.Leu778=)

Genes: EGFR (epidermal growth factor receptor; plus strand), EGFR-AS1 (EGFR antisense RNA 1; minus strand). Cytogenetic location: 7p11.2.
Variant type: single nucleotide variant.
Coding change: c.2334G>A on transcript NM_005228.5 (MANE Select); coding-DNA position 2334, G replaced by A.
Protein change: p.Leu778=; no amino-acid change (leucine 778 retained).
Molecular consequence: synonymous variant. On other transcripts: non-coding transcript variant (1).
Genome position (GRCh38, 1-based): chr7:55,181,343, G>A. VCF-style: chr7-55181343-G-A. GRCh37 (hg19) VCF-style: chr7-55249036-G-A.
Other names: c.2199G>A, p.Leu733= (NM_001346897.2, NM_001346899.2); c.2334G>A, p.Leu778= (NM_001346898.2); c.2175G>A, p.Leu725= (NM_001346900.2); c.1533G>A, p.Leu511= (NM_001346941.2).
Identifiers: ClinVar variation 847678 (VCV000847678.11), dbSNP rs397517118, ClinGen allele CA4266056.